The following is an entry in ClinVar:

NM_001009944.3(PKD1):c.1013_1039del (p.Ala338_Leu346del)

Gene: PKD1 (polycystin 1, transient receptor potential channel interacting; minus strand). Cytogenetic location: 16p13.3.
Variant type: Deletion.
Coding change: c.1013_1039del on transcript NM_001009944.3 (MANE Select); coding-DNA positions 1013 to 1039, 27 bases deleted (CCCTGGGGGCCGGCTCAGCCCTGCTGG).
Protein change: p.Ala338_Leu346del.
Molecular consequence: inframe deletion. On other transcripts: inframe indel (1).
Genome position (GRCh38, 1-based): chr16:2,117,953-2,117,979, CCAGCAGGGCTGAGCCGGCCCCCAGGG deleted on the plus strand (CCCTGGGGGCCGGCTCAGCCCTGCTGG on the coding strand, the reverse complement: PKD1 is on the minus strand); deleting any 27 consecutive bases within chr16:2,117,953-2,117,985 gives the same sequence; the c. name uses the placement nearest the transcript's 3' end. VCF-style (leftmost placement, unchanged base first): chr16-2117952-CCCAGCAGGGCTGAGCCGGCCCCCAGGG-C. GRCh37 (hg19) VCF-style: chr16-2167953-CCCAGCAGGGCTGAGCCGGCCCCCAGGG-C.
Other names: c.1013_1039del, p.Ala338_Leu346del (NM_000296.4); c.1013_1039del27 (NM_001009944.2).
Identifiers: ClinVar variation 5001867 (VCV005001867.1).

ClinVar aggregate classification (germline): Uncertain significance (1 of 4 stars; one submission).

Conditions:
PKD1-related disorder. Also called: PKD1-related condition.

Submission:

PreventionGenetics, part of Exact Sciences
Classification: Uncertain significance for PKD1-related condition. Last evaluated: 2024-10-30. Review status: criteria provided, single submitter. Criteria: ACMG Guidelines, 2015. Collection method: clinical testing. Allele origin: germline.
Comment: The PKD1 c.1013_1039del27 variant is predicted to result in an in-frame deletion (p.Ala338_Leu346del). This variant was reported in an individual with autosomal dominant polycystic kidney disease (ADPKD) (Table S3, Carrera et al. 2016. PubMed ID: 27499327). This variant has not been reported in a large population database (gnomAD), indicating this variant is rare. Of note, small in-frame deletions in PKD1 are commonly reported to be pathogenic for ADPKD. Although we suspect that this variant may be pathogenic, at this time, the clinical significance of this variant is uncertain due to the absence of conclusive functional and genetic evidence.